The following is an entry in ClinVar:

ClinVar aggregate classification (germline): Benign/Likely benign. Review status: criteria provided, multiple submitters, no conflicts (2 of 4 stars). 4 submissions from 4 submitters: Benign (1); Likely benign (2). 1 of the submissions does not count toward it. Last evaluated 2026-01-18.

Conditions:
CD55-related disorder. Also called: CD55-related condition.

Allele frequency attached by ClinVar (database versions not stated): gnomAD exomes 0.00020 and 0.00040; gnomAD 0.00026 and 0.00029; TOPMed 0.00026; ExAC 0.00029; ESP Exome Variant Server 0.00038.

Submissions (4):

Labcorp Genetics (formerly Invitae), Labcorp
Classification: Benign. Last evaluated: 2026-01-18. Review status: criteria provided, single submitter. Criteria: Invitae Variant Classification Sherloc (09022015). Collection method: clinical testing. Allele origin: germline.

CeGaT Center for Human Genetics Tuebingen
Classification: Likely benign. Last evaluated: 2024-11-01. Review status: criteria provided, single submitter. Criteria: CeGaT Center For Human Genetics Tuebingen Variant Classification Criteria Version 2. Collection method: clinical testing. Allele origin: germline. Affected: yes. Observed: 1 variant allele.
Comment: CD55: BP4, BP7

Blueprint Genetics
Classification: Likely benign. Last evaluated: 2024-07-08. Review status: criteria provided, single submitter. Criteria: ACMG Guidelines, 2015. Collection method: clinical testing. Allele origin: germline.

PreventionGenetics, part of Exact Sciences
Classification: Benign for CD55-related condition. Last evaluated: 2019-09-05. Review status: no assertion criteria provided. Collection method: clinical testing. Allele origin: germline. Not counted in ClinVar's aggregate classification.
Comment: This variant is classified as benign based on ACMG/AMP sequence variant interpretation guidelines (Richards et al. 2015 PMID: 25741868, with internal and published modifications).

NM_000574.5(CD55):c.864A>G (p.Leu288=)

Gene: CD55 (CD55 molecule (Cromer blood group); plus strand). Cytogenetic location: 1q32.2.
Variant type: single nucleotide variant.
Coding change: c.864A>G on transcript NM_000574.5 (MANE Select); coding-DNA position 864, A replaced by G.
Protein change: p.Leu288=; no amino-acid change (leucine 288 retained).
Molecular consequence: synonymous variant. On other transcripts: non-coding transcript variant (1).
Genome position (GRCh38, 1-based): chr1:207,336,703, A>G. VCF-style: chr1-207336703-A-G. GRCh37 (hg19) VCF-style: chr1-207510048-A-G.
Other names: c.864A>G (NM_000574.4); c.864A>G, p.Leu288= (NM_001114752.3, NM_001300902.2, NM_001300903.2 and 1 more transcripts).
Identifiers: ClinVar variation 1660316 (VCV001660316.25), dbSNP rs139719056, ClinGen allele CA1368121.